The following is an entry in ClinVar:

NM_145290.4(ADGRA3):c.2024A>G (p.Asp675Gly)

Gene: ADGRA3 (adhesion G protein-coupled receptor A3; minus strand). Cytogenetic location: 4p15.2.
Variant type: single nucleotide variant.
Coding change: c.2024A>G on transcript NM_145290.4 (MANE Select); coding-DNA position 2024, A replaced by G.
Protein change: p.Asp675Gly; replaces aspartic acid 675 with glycine.
Molecular consequence: missense variant.
Genome position (GRCh38, 1-based): chr4:22,413,390, T>C on the plus strand (A>G on the coding strand, the complement: ADGRA3 is on the minus strand). VCF-style: chr4-22413390-T-C. GRCh37 (hg19) VCF-style: chr4-22415013-T-C.
Other names: short protein forms D675G.
Identifiers: ClinVar variation 1501662 (VCV001501662.6), dbSNP rs2109023767, ClinGen allele CA356479854.

ClinVar aggregate classification (germline): Uncertain significance (1 of 4 stars; one submission).

Allele frequency attached by ClinVar (database versions not stated): gnomAD exomes below 0.00001.
gnomAD v4.1: 1 of 1,610,502 alleles (0.000062%); highest among the groups gnomAD compares: Non-Finnish European, 0.000085%; no homozygotes.

Submission:

Labcorp Genetics (formerly Invitae), Labcorp
Classification: Uncertain significance. Last evaluated: 2021-11-05. Review status: criteria provided, single submitter. Criteria: Invitae Variant Classification Sherloc (09022015). Collection method: clinical testing. Allele origin: germline.
Comment: This sequence change replaces aspartic acid, which is acidic and polar, with glycine, which is neutral and non-polar, at codon 675 of the ADGRA3 protein (p.Asp675Gly). This variant is not present in population databases (gnomAD no frequency). This variant has not been reported in the literature in individuals affected with ADGRA3-related conditions. Algorithms developed to predict the effect of missense changes on protein structure and function are either unavailable or do not agree on the potential impact of this missense change (SIFT: "Deleterious"; PolyPhen-2: "Possibly Damaging"; Align-GVGD: "Class C15"). Algorithms developed to predict the effect of sequence changes on RNA splicing suggest that this variant may create or strengthen a splice site. In summary, the available evidence is currently insufficient to determine the role of this variant in disease. Therefore, it has been classified as a Variant of Uncertain Significance.